The following is an entry in ClinVar:

NM_145038.5(DRC1):c.2014T>C (p.Ser672Pro)

Gene: DRC1 (dynein regulatory complex subunit 1; plus strand). Cytogenetic location: 2p23.3.
Variant type: single nucleotide variant.
Coding change: c.2014T>C on transcript NM_145038.5 (MANE Select); coding-DNA position 2014, T replaced by C.
Protein change: p.Ser672Pro; replaces serine 672 with proline.
Molecular consequence: missense variant.
Genome position (GRCh38, 1-based): chr2:26,454,741, T>C. VCF-style: chr2-26454741-T-C. GRCh37 (hg19) VCF-style: chr2-26677609-T-C.
Other names: short protein forms S672P.
Identifiers: ClinVar variation 2914662 (VCV002914662.3), dbSNP rs200927965, ClinGen allele CA1562472.
Genomic context (GRCh38, chr2:26,454,741, plus strand): 5'-GTGCGTGACAACTCCAAGGACTCGGAGTACTGGCAGGCCCTGACCACAGTGATCCCTTCC[T>C]CCAAGCAGAACCTCTGGGATGCCCTCTACACAGCCTTGGAGAAGTACCAGTAAGTGTGCA-3'
Protein context (NP_659475.2, residues 662-682): WQALTTVIPS[Ser672Pro]KQNLWDALYT

ClinVar aggregate classification (germline): Uncertain significance (1 of 4 stars; one submission).

Conditions:
Primary ciliary dyskinesia. Also called: Ciliary dyskinesia. Identifiers: Orphanet 244, MedGen C0008780, MONDO:0016575, HP:0012265.

Allele frequency attached by ClinVar (database versions not stated): gnomAD exomes below 0.00001; TOPMed below 0.00001; ExAC 0.00001.
gnomAD v4.1: 7 of 1,614,084 alleles (0.00043%); highest among the groups gnomAD compares: Non-Finnish European, 0.00059%; no homozygotes.

Submission:

Labcorp Genetics (formerly Invitae), Labcorp
Classification: Uncertain significance for Primary ciliary dyskinesia. Last evaluated: 2023-07-03. Review status: criteria provided, single submitter. Criteria: Invitae Variant Classification Sherloc (09022015). Collection method: clinical testing. Allele origin: germline.
Comment: This sequence change replaces serine, which is neutral and polar, with proline, which is neutral and non-polar, at codon 672 of the DRC1 protein (p.Ser672Pro). In summary, the available evidence is currently insufficient to determine the role of this variant in disease. Therefore, it has been classified as a Variant of Uncertain Significance. An algorithm developed to predict the effect of missense changes on protein structure and function (PolyPhen-2) suggests that this variant is likely to be disruptive. This variant has not been reported in the literature in individuals affected with DRC1-related conditions. This variant is present in population databases (rs200927965, gnomAD 0.002%).